The following is an entry in ClinVar:

NM_017838.4(NHP2):c.292T>G (p.Cys98Gly)

Gene: NHP2 (NHP2 ribonucleoprotein; minus strand). Cytogenetic location: 5q35.3.
Variant type: single nucleotide variant.
Coding change: c.292T>G on transcript NM_017838.4 (MANE Select); coding-DNA position 292, T replaced by G.
Protein change: p.Cys98Gly; replaces cysteine 98 with glycine.
Molecular consequence: missense variant. On other transcripts: intron variant (1).
Genome position (GRCh38, 1-based): chr5:178,150,932, A>C on the plus strand (T>G on the coding strand, the complement: NHP2 is on the minus strand). VCF-style: chr5-178150932-A-C. GRCh37 (hg19) VCF-style: chr5-177577933-A-C.
Other names: c.231-1094T>G (NM_001034833.2); short protein forms C98G.
Identifiers: ClinVar variation 854979 (VCV000854979.9), dbSNP rs201129701, ClinGen allele CA362391813.

ClinVar aggregate classification (germline): Uncertain significance (1 of 4 stars; one submission).

Conditions:
Dyskeratosis congenita. Identifiers: Orphanet 1775, MedGen C0265965, MONDO:0015780.

Allele frequency attached by ClinVar (database versions not stated): gnomAD 0.00001; TOPMed 0.00001.

Submission:

Labcorp Genetics (formerly Invitae), Labcorp
Classification: Uncertain significance for Dyskeratosis congenita. Last evaluated: 2024-09-15. Review status: criteria provided, single submitter. Criteria: Invitae Variant Classification Sherloc (09022015). Collection method: clinical testing. Allele origin: germline.
Comment: This sequence change replaces cysteine, which is neutral and slightly polar, with glycine, which is neutral and non-polar, at codon 98 of the NHP2 protein (p.Cys98Gly). This variant is not present in population databases (gnomAD no frequency). This variant has not been reported in the literature in individuals affected with NHP2-related conditions. ClinVar contains an entry for this variant (Variation ID: 854979). An algorithm developed to predict the effect of missense changes on protein structure and function (PolyPhen-2) suggests that this variant is likely to be disruptive. In summary, the available evidence is currently insufficient to determine the role of this variant in disease. Therefore, it has been classified as a Variant of Uncertain Significance.